The following is an entry in ClinVar:

ClinVar aggregate classification (germline): Benign (1 of 4 stars; one submission).

Conditions:
Microcytic anemia with liver iron overload. Also called: Anemia, hypochromic microcytic, with iron overload 1. Identifiers: Orphanet 83642, MedGen C3806153, MONDO:0008787, OMIM 206100.

Allele frequency attached by ClinVar (database versions not stated): ExAC below 0.00001; gnomAD 0.00105 and 0.00109; gnomAD exomes 0.00109 and 0.00817; 1000 Genomes Project 0.00240; 1000 Genomes Project 30x 0.00281; TOPMed 0.00315.
gnomAD v4.1: 1,351 of 1,265,446 alleles (0.11%); highest among the groups gnomAD compares: Admixed American, 3%; 43 homozygotes.

Submission:

Illumina Laboratory Services, Illumina
Classification: Benign for Microcytic anemia with liver iron overload. Last evaluated: 2017-04-27. Review status: criteria provided, single submitter. Criteria: ICSL Variant Classification Criteria 13 December 2019. Collection method: clinical testing. Allele origin: germline.
Comment: This variant was observed as part of a predisposition screen in an ostensibly healthy population. A literature search was performed for the gene, cDNA change, and amino acid change (where applicable). No publications were found based on this search. Allele frequency data from public databases was too high to be consistent with this variant causing disease. Therefore, this variant is classified as benign.

NM_000617.3(SLC11A2):c.-39+5G>C

Gene: SLC11A2 (solute carrier family 11 member 2; minus strand). Cytogenetic location: 12q13.12.
Variant type: single nucleotide variant.
Coding change: c.-39+5G>C on transcript NM_000617.3 (MANE Select); 5 bases into the intron after 39 bases upstream of the start codon, G replaced by C.
Molecular consequence: intron variant.
Genome position (GRCh38, 1-based): chr12:51,026,305, C>G on the plus strand (G>C on the coding strand, the complement: SLC11A2 is on the minus strand). VCF-style: chr12-51026305-C-G. GRCh37 (hg19) VCF-style: chr12-51420088-C-G.
Other names: c.49+1872G>C (NM_001379446.1, NM_001379455.1, NM_001174125.2); c.-39+10G>C (NM_001174127.2, NM_001174128.2); c.-39+5G>C (NM_001174126.2).
Identifiers: ClinVar variation 881290 (VCV000881290.4), dbSNP rs180796770, ClinGen allele CA6566933.
Genomic context (GRCh38, chr12:51,026,305, plus strand): 5'-CCGCCCCGCGCCCCTCCCTGCCAGCGAGCGGAATGCCGTGACCCCTGACCTTGCCTTCCC[C>G]TCACCTTACCAGCTCCGCAACCACCTGACACGCCGCCCCCGCGCCCAGGGCTCCATATTC-3'